The following is an entry in ClinVar:

NM_000812.4(GABRB1):c.453T>G (p.Tyr151Ter)

Gene: GABRB1 (gamma-aminobutyric acid type A receptor subunit beta1; plus strand). Cytogenetic location: 4p12.
Variant type: single nucleotide variant.
Coding change: c.453T>G on transcript NM_000812.4 (MANE Select); coding-DNA position 453, T replaced by G.
Protein change: p.Tyr151Ter; replaces tyrosine 151 with a stop codon.
Molecular consequence: nonsense.
Genome position (GRCh38, 1-based): chr4:47,161,461, T>G. VCF-style: chr4-47161461-T-G. GRCh37 (hg19) VCF-style: chr4-47163478-T-G.
Other names: short protein forms Y151*.
Identifiers: ClinVar variation 4733887 (VCV004733887.1).

ClinVar aggregate classification (germline): Uncertain significance (1 of 4 stars; one submission).

Submission:

Labcorp Genetics (formerly Invitae), Labcorp
Classification: Uncertain significance. Last evaluated: 2025-12-22. Review status: criteria provided, single submitter. Criteria: Invitae Variant Classification Sherloc (09022015). Collection method: clinical testing. Allele origin: germline.
Comment: This sequence change creates a premature translational stop signal (p.Tyr151*) in the GABRB1 gene. It is expected to result in an absent or disrupted protein product. However, the current clinical and genetic evidence is not sufficient to establish whether loss-of-function variants in GABRB1 cause disease. This variant is not present in population databases (gnomAD no frequency). This variant has not been reported in the literature in individuals affected with GABRB1-related conditions. In summary, the available evidence is currently insufficient to determine the role of this variant in disease. Therefore, it has been classified as a Variant of Uncertain Significance.